The following is an entry in ClinVar:

ClinVar aggregate classification (germline): Uncertain significance (1 of 4 stars; one submission).

gnomAD v4.1: 3 of 1,589,478 alleles (0.00019%); highest among the groups gnomAD compares: South Asian, 0.0034%; no homozygotes.

Submission:

Labcorp Genetics (formerly Invitae), Labcorp
Classification: Uncertain significance. Last evaluated: 2025-10-15. Review status: criteria provided, single submitter. Criteria: Invitae Variant Classification Sherloc (09022015). Collection method: clinical testing. Allele origin: germline.
Comment: This sequence change replaces asparagine, which is neutral and polar, with serine, which is neutral and polar, at codon 176 of the TGFB1 protein (p.Asn176Ser). This variant is not present in population databases (gnomAD no frequency). This variant has not been reported in the literature in individuals affected with TGFB1-related conditions. Invitae Evidence Modeling of protein sequence and biophysical properties (such as structural, functional, and spatial information, amino acid conservation, physicochemical variation, residue mobility, and thermodynamic stability) indicates that this missense variant is not expected to disrupt TGFB1 protein function with a negative predictive value of 80%. Experimental studies have shown that this missense change does not substantially affect TGFB1 function (PMID: 1448117). In summary, the available evidence is currently insufficient to determine the role of this variant in disease. Therefore, it has been classified as a Variant of Uncertain Significance.

Literature cited by the submitters: PubMed 1448117.

NM_000660.7(TGFB1):c.527A>G (p.Asn176Ser)

Gene: TGFB1 (transforming growth factor beta 1; minus strand). Cytogenetic location: 19q13.2.
Variant type: single nucleotide variant.
Coding change: c.527A>G on transcript NM_000660.7 (MANE Select); coding-DNA position 527, A replaced by G.
Protein change: p.Asn176Ser; replaces asparagine 176 with serine.
Molecular consequence: missense variant.
Genome position (GRCh38, 1-based): chr19:41,344,854, T>C on the plus strand (A>G on the coding strand, the complement: TGFB1 is on the minus strand). VCF-style: chr19-41344854-T-C. GRCh37 (hg19) VCF-style: chr19-41850759-T-C.
Other names: short protein forms N176S.
Identifiers: ClinVar variation 4707558 (VCV004707558.1).